The following is an entry in ClinVar:

ClinVar aggregate classification (germline): Uncertain significance (1 of 4 stars; one submission).

Submission:

GeneDx
Classification: Uncertain significance. Last evaluated: 2026-04-01. Review status: criteria provided, single submitter. Criteria: GeneDx Variant Classification Process June 2021. Collection method: clinical testing. Allele origin: germline.
Comment: Not observed at significant frequency in large population cohorts (gnomAD); In silico analysis supports that this missense variant has a deleterious effect on protein structure/function; Has not been previously published as pathogenic or benign to our knowledge

NM_001110556.2(FLNA):c.5522A>G (p.Glu1841Gly)

Gene: FLNA (filamin A; minus strand). Cytogenetic location: Xq28.
Variant type: single nucleotide variant.
Coding change: c.5522A>G on transcript NM_001110556.2 (MANE Select); coding-DNA position 5522, A replaced by G.
Protein change: p.Glu1841Gly; replaces glutamic acid 1841 with glycine.
Molecular consequence: missense variant.
Genome position (GRCh38, 1-based): chrX:154,354,186, T>C on the plus strand (A>G on the coding strand, the complement: FLNA is on the minus strand). VCF-style: chrX-154354186-T-C. GRCh37 (hg19) VCF-style: chrX-153582554-T-C.
Other names: c.5498A>G, p.Glu1833Gly (NM_001456.4); short protein forms E1833G, E1841G.
Identifiers: ClinVar variation 5018126 (VCV005018126.1).